The following is an entry in ClinVar:

ClinVar aggregate classification (germline): Conflicting classifications of pathogenicity. Review status: criteria provided, conflicting classifications (1 of 4 stars). 2 submissions from 2 submitters: Uncertain significance (1); Likely benign (1). Last evaluated 2023-02-05.

Conditions:
Inborn genetic diseases. Identifiers: MedGen C0950123, MeSH D030342.
Very long chain acyl-CoA dehydrogenase deficiency (ACADVLD). Also called: Very Long-Chain Acyl-Coenzyme A Dehydrogenase Deficiency; VLCAD Deficiency. Identifiers: Orphanet 26793, MedGen C3887523, MONDO:0008723, OMIM 201475.

Allele frequency attached by ClinVar (database versions not stated): gnomAD exomes below 0.00001.
gnomAD v4.1: 3 of 1,612,670 alleles (0.00019%); highest among the groups gnomAD compares: Non-Finnish European, 0.00025%; no homozygotes.

Submissions (2):

Labcorp Genetics (formerly Invitae), Labcorp
Classification: Uncertain significance for Very long chain acyl-CoA dehydrogenase deficiency. Last evaluated: 2023-02-05. Review status: criteria provided, single submitter. Criteria: Invitae Variant Classification Sherloc (09022015). Collection method: clinical testing. Allele origin: germline.
Comment: This variant is not present in population databases (gnomAD no frequency). In summary, the available evidence is currently insufficient to determine the role of this variant in disease. Therefore, it has been classified as a Variant of Uncertain Significance. Algorithms developed to predict the effect of missense changes on protein structure and function output the following: SIFT: "Tolerated"; PolyPhen-2: "Benign"; Align-GVGD: "Class C0". The lysine amino acid residue is found in multiple mammalian species, which suggests that this missense change does not adversely affect protein function. This variant has not been reported in the literature in individuals affected with ACADVL-related conditions. This sequence change replaces arginine, which is basic and polar, with lysine, which is basic and polar, at codon 353 of the ACADVL protein (p.Arg353Lys).

Ambry Genetics
Classification: Likely benign for Inborn genetic diseases. Last evaluated: 2021-11-22. Review status: criteria provided, single submitter. Criteria: Ambry Variant Classification Scheme 2023. Collection method: clinical testing. Allele origin: germline.

NM_000018.4(ACADVL):c.1058G>A (p.Arg353Lys)

Gene: ACADVL (acyl-CoA dehydrogenase very long chain; plus strand). Cytogenetic location: 17p13.1.
Variant type: single nucleotide variant.
Coding change: c.1058G>A on transcript NM_000018.4 (MANE Select); coding-DNA position 1058, G replaced by A.
Protein change: p.Arg353Lys; replaces arginine 353 with lysine.
Molecular consequence: missense variant.
Genome position (GRCh38, 1-based): chr17:7,222,846, G>A. VCF-style: chr17-7222846-G-A. GRCh37 (hg19) VCF-style: chr17-7126165-G-A.
Other names: c.992G>A, p.Arg331Lys (NM_001033859.3); c.1127G>A, p.Arg376Lys (NM_001270447.2); c.830G>A, p.Arg277Lys (NM_001270448.2); short protein forms R353K, R376K, R277K, R331K.
Identifiers: ClinVar variation 2262009 (VCV002262009.4), dbSNP rs2071296765, ClinGen allele CA397724257.